The following is an entry in ClinVar:

ClinVar aggregate classification (germline): Uncertain significance (1 of 4 stars; one submission).

Submission:

Labcorp Genetics (formerly Invitae), Labcorp
Classification: Uncertain significance. Last evaluated: 2025-03-24. Review status: criteria provided, single submitter. Criteria: Invitae Variant Classification Sherloc (09022015). Collection method: clinical testing. Allele origin: germline.
Comment: This sequence change replaces lysine, which is basic and polar, with asparagine, which is neutral and polar, at codon 221 of the COL10A1 protein (p.Lys221Asn). This variant is not present in population databases (gnomAD no frequency). This variant has not been reported in the literature in individuals affected with COL10A1-related conditions. Invitae Evidence Modeling of protein sequence and biophysical properties (such as structural, functional, and spatial information, amino acid conservation, physicochemical variation, residue mobility, and thermodynamic stability) has been performed for this missense variant. However, the output from this modeling did not meet the statistical confidence thresholds required to predict the impact of this variant on COL10A1 protein function. In summary, the available evidence is currently insufficient to determine the role of this variant in disease. Therefore, it has been classified as a Variant of Uncertain Significance.

NM_000493.4(COL10A1):c.663A>C (p.Lys221Asn)

Genes: COL10A1 (collagen type X alpha 1 chain; minus strand), NT5DC1 (5'-nucleotidase domain containing 1; plus strand). Cytogenetic location: 6q22.1.
Variant type: single nucleotide variant.
Coding change: c.663A>C on transcript NM_000493.4 (MANE Select); coding-DNA position 663, A replaced by C.
Protein change: p.Lys221Asn; replaces lysine 221 with asparagine.
Molecular consequence: missense variant. On other transcripts: intron variant (1).
Genome position (GRCh38, 1-based): chr6:116,121,453, T>G on the plus strand (A>C on the coding strand, the complement: COL10A1 is on the minus strand). VCF-style: chr6-116121453-T-G. GRCh37 (hg19) VCF-style: chr6-116442616-T-G.
Other names: c.663A>C, p.Lys221Asn (NM_001424106.1, NM_001424107.1); c.529+3508T>G (NM_152729.3); short protein forms K221N.
Identifiers: ClinVar variation 4772621 (VCV004772621.1).